The following is an entry in ClinVar:

NM_000218.3(KCNQ1):c.1A>G (p.Met1Val)

Gene: KCNQ1 (potassium voltage-gated channel subfamily Q member 1; plus strand). Cytogenetic location: 11p15.5.
Variant type: single nucleotide variant.
Coding change: c.1A>G on transcript NM_000218.3 (MANE Select); coding-DNA position 1, A replaced by G.
Protein change: p.Met1Val; changes the start codon (methionine 1).
Molecular consequence: missense variant, initiator codon variant.
Genome position (GRCh38, 1-based): chr11:2,445,099, A>G. VCF-style: chr11-2445099-A-G. GRCh37 (hg19) VCF-style: chr11-2466329-A-G.
Other names: c.1A>G (LRG_287t1); short protein forms M1V.
Identifiers: ClinVar variation 67064 (VCV000067064.5), dbSNP rs199473441, ClinGen allele CA006661.

ClinVar aggregate classification (germline): Pathogenic/Likely pathogenic. Review status: criteria provided, multiple submitters, no conflicts (2 of 4 stars). 3 submissions from 3 submitters: Pathogenic (1); Likely pathogenic (1). 1 of the submissions does not count toward it. Last evaluated 2026-02-20.

Conditions:
KCNQ1-related disorder. Also called: KCNQ1-related condition; KCNQ1-related disorders. Identifiers: MedGen CN239322.
Familial long QT syndrome (RWS). Also called: Congenital long QT syndrome; Romano-Ward syndrome; VENTRICULAR FIBRILLATION WITH PROLONGED QT INTERVAL. Identifiers: Orphanet 768, MedGen C1141890, MONDO:0019171.

Submissions (3):

Dasa
Classification: Likely pathogenic. Last evaluated: 2026-02-20. Review status: criteria provided, single submitter. Criteria: DASA Assertion Criteria. Collection method: clinical testing. Allele origin: germline.
Comment: NM_000218.3(KCNQ1):c.1A>G (p.Met1?) is a start-loss variant predicted to alter the translation initiation codon and impair normal protein translation. Loss of function is an established disease mechanism for KCNQ1 (PMID: 26669661; PMID: 29532034; PMID: 23098067). Published studies describe this variant in association with related phenotype (PMID: 21380488). Also, this variant is absent from population databases. Based on the currently available evidence, this variant is classified as likely pathogenic.

Blueprint Genetics
Classification: Pathogenic for KCNQ1-related disorders. Last evaluated: 2023-11-23. Review status: criteria provided, single submitter. Criteria: ACMG Guidelines, 2015. Collection method: clinical testing. Allele origin: germline. Affected: yes. Observed: 3 variant alleles.

Cardiovascular Biomedical Research Unit, Royal Brompton & Harefield NHS Foundation Trust
No classification provided. Condition: Familial long QT syndrome. Review status: no classification provided. Collection method: literature only. Allele origin: germline. Not counted in ClinVar's aggregate classification.
Comment: This variant has been reported as associated with Long QT syndrome in the following publications (PMID:17470695). This is a literature report, and does not necessarily reflect the clinical interpretation of the Imperial College / Royal Brompton Cardiovascular Genetics laboratory.

Literature cited by the submitters: PubMed 21380488 (cited by Dasa); PubMed 26669661 (cited by Dasa); PubMed 29532034 (cited by Dasa); PubMed 23098067 (cited by Dasa); PubMed 17470695 (cited by Cardiovascular Biomedical Research Unit, Royal Brompton & Harefield NHS Foundation Trust); PubMed 22581653 (cited by Cardiovascular Biomedical Research Unit, Royal Brompton & Harefield NHS Foundation Trust).